The following is an entry in ClinVar:

NM_000179.3(MSH6):c.1700del (p.Lys567fs)

Gene: MSH6 (mutS homolog 6; plus strand). Cytogenetic location: 2p16.3.
Variant type: Deletion.
Coding change: c.1700del on transcript NM_000179.3 (MANE Select); coding-DNA position 1700, one base deleted (A; older notation c.1700delA).
Protein change: p.Lys567fs; shifts the reading frame from lysine 567.
Molecular consequence: frameshift variant.
Genome position (GRCh38, 1-based): chr2:47,799,683, A deleted; the last of 3 consecutive A bases (chr2:47,799,681-47,799,683); deleting any one gives the same sequence. VCF-style (leftmost placement, unchanged base first): chr2-47799680-GA-G. GRCh37 (hg19) VCF-style: chr2-48026819-GA-G.
Other names: c.1310del, p.Lys437fs (NM_001281492.2); c.794del, p.Lys265fs (NM_001281493.2, NM_001281494.2); c.1796delA, p.Lys599Serfs (NM_001406795.1, NM_001406802.1); c.1700delA, p.Lys567Serfs (NM_001406796.1, NM_001406798.1, NM_001406800.1 and 3 more transcripts); c.1403delA, p.Lys468Serfs (NM_001406797.1, NM_001406801.1, NM_001406805.1 and 10 more transcripts); c.1175delA, p.Lys392Serfs (NM_001406799.1, NM_001406806.1, NM_001406807.1); c.1622delA, p.Lys541Serfs (NM_001406804.1); c.794delA, p.Lys265Serfs (NM_001406811.1, NM_001406812.1, NM_001406814.1 and 4 more transcripts); and 2 more; short protein forms K437fs, K265fs, K567fs.
Identifiers: ClinVar variation 1778348 (VCV001778348.2), dbSNP rs1553413074, ClinGen allele CA2580067676.

ClinVar aggregate classification (germline): Pathogenic (1 of 4 stars; one submission).

Conditions:
Hereditary cancer-predisposing syndrome. Also called: Neoplastic Syndromes, Hereditary; Tumor predisposition; Hereditary Cancer Syndrome; Hereditary neoplastic syndrome. Identifiers: Orphanet 140162, MedGen C0027672, MeSH D009386, MONDO:0015356.

Submission:

Ambry Genetics
Classification: Pathogenic for Hereditary cancer-predisposing syndrome. Last evaluated: 2019-02-22. Review status: criteria provided, single submitter. Criteria: Ambry Variant Classification Scheme 2023. Collection method: clinical testing. Allele origin: germline.
Comment: The c.1700delA pathogenic mutation, located in coding exon 4 of the MSH6 gene, results from a deletion of one nucleotide at nucleotide position 1700, causing a translational frameshift with a predicted alternate stop codon (p.K567Sfs*4). This alteration is expected to result in loss of function by premature protein truncation or nonsense-mediated mRNA decay. As such, this alteration is interpreted as a disease-causing mutation.